The following is an entry in ClinVar:

ClinVar aggregate classification (germline): Pathogenic (1 of 4 stars; one submission).

Submission:

Labcorp Genetics (formerly Invitae), Labcorp
Classification: Pathogenic. Last evaluated: 2025-01-26. Review status: criteria provided, single submitter. Criteria: Invitae Variant Classification Sherloc (09022015). Collection method: clinical testing. Allele origin: germline.
Comment: This sequence change creates a premature translational stop signal (p.Gln235*) in the SEC24D gene. It is expected to result in an absent or disrupted protein product. Loss-of-function variants in SEC24D are known to be pathogenic (PMID: 25683121, 30462379). This variant is not present in population databases (gnomAD no frequency). This variant has not been reported in the literature in individuals affected with SEC24D-related conditions. For these reasons, this variant has been classified as Pathogenic.

Literature cited by the submitters: PubMed 25683121; PubMed 30462379.

NM_014822.4(SEC24D):c.703C>T (p.Gln235Ter)

Gene: SEC24D (SEC24 homolog D, COPII component; minus strand). Cytogenetic location: 4q26.
Variant type: single nucleotide variant.
Coding change: c.703C>T on transcript NM_014822.4 (MANE Select); coding-DNA position 703, C replaced by T.
Protein change: p.Gln235Ter; replaces glutamine 235 with a stop codon.
Molecular consequence: nonsense.
Genome position (GRCh38, 1-based): chr4:118,815,126, G>A on the plus strand (C>T on the coding strand, the complement: SEC24D is on the minus strand). VCF-style: chr4-118815126-G-A. GRCh37 (hg19) VCF-style: chr4-119736281-G-A.
Other names: c.706C>T, p.Gln236Ter (NM_001318066.2); short protein forms Q235*, Q236*.
Identifiers: ClinVar variation 3606564 (VCV003606564.2).